The following is an entry in ClinVar:

ClinVar aggregate classification (germline): Uncertain significance (1 of 4 stars; one submission).

Submission:

Dasa
Classification: Uncertain significance. Last evaluated: 2026-01-12. Review status: criteria provided, single submitter. Criteria: DASA Assertion Criteria. Collection method: clinical testing. Allele origin: germline.
Comment: NM_001194998.2(CEP152):c.2498A>C (p.Lys833Thr) is a missense variant that results in the substitution of lysine with threonine. This variant is rare in population databases. Computational prediction algorithms are consistent with a benign effect. The currently available literature and clinical evidence are not sufficient to establish a definitive association between this variant and the reported condition. Therefore, this variant is classified as a variant of uncertain significance.

NM_001194998.2(CEP152):c.2498A>C (p.Lys833Thr)

Gene: CEP152 (centrosomal protein 152; minus strand). Cytogenetic location: 15q21.1.
Variant type: single nucleotide variant.
Coding change: c.2498A>C on transcript NM_001194998.2 (MANE Select); coding-DNA position 2498, A replaced by C.
Protein change: p.Lys833Thr; replaces lysine 833 with threonine.
Molecular consequence: missense variant.
Genome position (GRCh38, 1-based): chr15:48,762,455, T>G on the plus strand (A>C on the coding strand, the complement: CEP152 is on the minus strand). VCF-style: chr15-48762455-T-G. GRCh37 (hg19) VCF-style: chr15-49054652-T-G.
Other names: c.2498A>C, p.Lys833Thr (NM_014985.4); short protein forms K833T.
Identifiers: ClinVar variation 4885885 (VCV004885885.2).